The following is an entry in ClinVar:

NM_021625.5(TRPV4):c.1624T>C (p.Ser542Pro)

Gene: TRPV4 (transient receptor potential cation channel subfamily V member 4; minus strand). Cytogenetic location: 12q24.11.
Variant type: single nucleotide variant.
Coding change: c.1624T>C on transcript NM_021625.5 (MANE Select); coding-DNA position 1624, T replaced by C.
Protein change: p.Ser542Pro; replaces serine 542 with proline.
Molecular consequence: missense variant.
Genome position (GRCh38, 1-based): chr12:109,793,561, A>G on the plus strand (T>C on the coding strand, the complement: TRPV4 is on the minus strand). VCF-style: chr12-109793561-A-G. GRCh37 (hg19) VCF-style: chr12-110231366-A-G.
Other names: c.1483T>C, p.Ser495Pro (NM_001177428.2); c.1522T>C, p.Ser508Pro (NM_001177431.2); c.1303T>C, p.Ser435Pro (NM_001177433.2); c.1444T>C, p.Ser482Pro (NM_147204.3); short protein forms S508P, S542P, S435P, S495P, S482P.
Identifiers: ClinVar variation 2054917 (VCV002054917.4), dbSNP rs2548728770, ClinGen allele CA386651605.

ClinVar aggregate classification (germline): Likely pathogenic (1 of 4 stars; one submission).

Conditions:
Charcot-Marie-Tooth disease axonal type 2C (HMSN2C). Also called: CHARCOT-MARIE-TOOTH DISEASE, AXONAL, AUTOSOMAL DOMINANT, TYPE 2C; Charcot-Marie-Tooth Neuropathy Type 2C; Charcot-Marie-Tooth Disease Type 2, TRPV4-Related (CMT2C). Identifiers: Orphanet 99937, MedGen C1853710, MONDO:0011633, OMIM 606071.

Submission:

Labcorp Genetics (formerly Invitae), Labcorp
Classification: Likely pathogenic for Charcot-Marie-Tooth disease axonal type 2C. Last evaluated: 2021-12-23. Review status: criteria provided, single submitter. Criteria: Invitae Variant Classification Sherloc (09022015). Collection method: clinical testing. Allele origin: germline.
Comment: This variant is not present in population databases (gnomAD no frequency). This sequence change replaces serine, which is neutral and polar, with proline, which is neutral and non-polar, at codon 542 of the TRPV4 protein (p.Ser542Pro). This variant has not been reported in the literature in individuals affected with TRPV4-related conditions. In summary, the currently available evidence indicates that the variant is pathogenic, but additional data are needed to prove that conclusively. Therefore, this variant has been classified as Likely Pathogenic. This variant disrupts the p.Ser542 amino acid residue in TRPV4. Other variant(s) that disrupt this residue have been determined to be pathogenic (PMID: 21115951). This suggests that this residue is clinically significant, and that variants that disrupt this residue are likely to be disease-causing. Advanced modeling of protein sequence and biophysical properties (such as structural, functional, and spatial information, amino acid conservation, physicochemical variation, residue mobility, and thermodynamic stability) performed at Invitae indicates that this missense variant is expected to disrupt TRPV4 protein function.

Literature cited by the submitters: PubMed 21115951.